The following is an entry in ClinVar:

ClinVar aggregate classification (germline): Benign (1 of 4 stars; one submission).

Conditions:
Familial dysautonomia. Also called: HSAN III; FD. Identifiers: Orphanet 1764, MedGen C0013364, MONDO:0009131, OMIM 223900. Disease mechanism: loss of function.

Allele frequency attached by ClinVar (database versions not stated): gnomAD exomes 0.01575; 1000 Genomes Project 0.03075; gnomAD 0.03077 and 0.03303; 1000 Genomes Project 30x 0.03264; TOPMed 0.03590.
gnomAD v4.1: 4,651 of 153,130 alleles (3%); highest among the groups gnomAD compares: African/African-American, 11%; 242 homozygotes.

Submission:

Illumina Laboratory Services, Illumina
Classification: Benign for Familial dysautonomia. Last evaluated: 2018-01-12. Review status: criteria provided, single submitter. Criteria: ICSL Variant Classification Criteria 13 December 2019. Collection method: clinical testing. Allele origin: germline.
Comment: This variant was observed in the ICSL laboratory as part of a predisposition screen in an ostensibly healthy population. It had not been previously curated by ICSL or reported in the Human Gene Mutation Database (HGMD: prior to June 1st, 2018), and was therefore a candidate for classification through an automated scoring system. Utilizing variant allele frequency, disease prevalence and penetrance estimates, and inheritance mode, an automated score was calculated to assess if this variant is too frequent to cause the disease. Based on the score and internal cut-off values, a variant classified as benign is not then subjected to further curation. The score for this variant resulted in a classification of benign for this disease.

NM_003640.5(ELP1):c.*861T>G

Gene: ELP1 (elongator acetyltransferase complex subunit 1; minus strand). Cytogenetic location: 9q31.3.
Variant type: single nucleotide variant.
Coding change: c.*861T>G on transcript NM_003640.5 (MANE Select); 861 bases downstream of the stop codon, T replaced by G.
Molecular consequence: 3 prime UTR variant.
Genome position (GRCh38, 1-based): chr9:108,868,254, A>C on the plus strand (T>G on the coding strand, the complement: ELP1 is on the minus strand). VCF-style: chr9-108868254-A-C. GRCh37 (hg19) VCF-style: chr9-111630534-A-C.
Other names: c.*861T>G (LRG_251t1, NM_001318360.2, NM_001330749.2).
Identifiers: ClinVar variation 364547 (VCV000364547.5), dbSNP rs74671462, ClinGen allele CA10628755.